The following is an entry in ClinVar:

ClinVar aggregate classification (germline): Uncertain significance. Review status: criteria provided, multiple submitters, no conflicts (2 of 4 stars). 2 submissions from 2 submitters: Uncertain significance (2). Last evaluated 2025-11-21.

Allele frequency attached by ClinVar (database versions not stated): gnomAD exomes below 0.00001.
gnomAD v4.1: 1 of 1,613,922 alleles (0.000062%); highest among the groups gnomAD compares: Non-Finnish European, 0.000085%; no homozygotes.

Submissions (2):

Ambry Genetics
Classification: Uncertain significance. Last evaluated: 2025-11-21. Review status: criteria provided, single submitter. Criteria: Ambry Variant Classification Scheme 2023. Collection method: clinical testing. Allele origin: germline.
Comment: The p.K721E variant (also known as c.2161A>G), located in coding exon 13 of the GEN1 gene, results from an A to G substitution at nucleotide position 2161. The lysine at codon 721 is replaced by glutamic acid, an amino acid with similar properties. This amino acid position is conserved. In addition, this alteration is predicted to be tolerated by in silico analysis. Based on the available evidence, the clinical significance of this variant remains unclear.

Labcorp Genetics (formerly Invitae), Labcorp
Classification: Uncertain significance. Last evaluated: 2021-03-02. Review status: criteria provided, single submitter. Criteria: Invitae Variant Classification Sherloc (09022015). Collection method: clinical testing. Allele origin: germline.
Comment: In summary, the available evidence is currently insufficient to determine the role of this variant in disease. Therefore, it has been classified as a Variant of Uncertain Significance. Algorithms developed to predict the effect of sequence changes on RNA splicing suggest that this variant may create or strengthen a splice site, but this prediction has not been confirmed by published transcriptional studies. Algorithms developed to predict the effect of missense changes on protein structure and function output the following: SIFT: "Tolerated"; PolyPhen-2: "Benign"; Align-GVGD: "Class C0". The glutamic acid amino acid residue is found in multiple mammalian species, suggesting that this missense change does not adversely affect protein function. These predictions have not been confirmed by published functional studies and their clinical significance is uncertain. This variant has not been reported in the literature in individuals with GEN1-related conditions. This variant is not present in population databases (ExAC no frequency). This sequence change replaces lysine with glutamic acid at codon 721 of the GEN1 protein (p.Lys721Glu). The lysine residue is weakly conserved and there is a small physicochemical difference between lysine and glutamic acid.

NM_001130009.3(GEN1):c.2161A>G (p.Lys721Glu)

Gene: GEN1 (GEN1 structure-specific endonuclease; plus strand). Cytogenetic location: 2p24.2.
Variant type: single nucleotide variant.
Coding change: c.2161A>G on transcript NM_001130009.3 (MANE Select); coding-DNA position 2161, A replaced by G.
Protein change: p.Lys721Glu; replaces lysine 721 with glutamic acid.
Molecular consequence: missense variant.
Genome position (GRCh38, 1-based): chr2:17,781,373, A>G. VCF-style: chr2-17781373-A-G. GRCh37 (hg19) VCF-style: chr2-17962640-A-G.
Other names: c.2161A>G, p.Lys721Glu (NM_182625.5); c.2161A>G (NM_001130009.1); short protein forms K721E.
Identifiers: ClinVar variation 1505251 (VCV001505251.9), dbSNP rs1558413706, ClinGen allele CA345927435.
Genomic context (GRCh38, chr2:17,781,373, plus strand): 5'-CTTAGTGTAAAAGAATCTTGTATTGCTAACAGTGGTTCTGATTGTACATCACATCTTTCA[A>G]AGGATCTTCCAGGAATTCCCTTGCAAAATGAATCCAGAGACTCTAAAATTCTAAAAGGAG-3'
Protein context (NP_001123481.3, residues 711-731): SGSDCTSHLS[Lys721Glu]DLPGIPLQNE